The following is an entry in ClinVar:

ClinVar aggregate classification (germline): Uncertain significance (1 of 4 stars; one submission).

Submission:

Ambry Genetics
Classification: Uncertain significance. Last evaluated: 2025-12-21. Review status: criteria provided, single submitter. Criteria: Ambry Variant Classification Scheme 2023. Collection method: clinical testing. Allele origin: germline.
Comment: The p.H863N variant (also known as c.2587C>A), located in coding exon 1 of the TET2 gene, results from a C to A substitution at nucleotide position 2587. The histidine at codon 863 is replaced by asparagine, an amino acid with similar properties. This amino acid position is conserved. In addition, this alteration is predicted to be tolerated by in silico analysis. Based on the available evidence, the clinical significance of this variant remains unclear.

NM_001127208.3(TET2):c.2587C>A (p.His863Asn)

Genes: TET2 (tet methylcytosine dioxygenase 2; plus strand), TET2-AS1 (TET2 antisense RNA 1; minus strand). Cytogenetic location: 4q24.
Variant type: single nucleotide variant.
Coding change: c.2587C>A on transcript NM_001127208.3 (MANE Select); coding-DNA position 2587, C replaced by A.
Protein change: p.His863Asn; replaces histidine 863 with asparagine.
Molecular consequence: missense variant.
Genome position (GRCh38, 1-based): chr4:105,236,529, C>A. VCF-style: chr4-105236529-C-A. GRCh37 (hg19) VCF-style: chr4-106157686-C-A.
Other names: c.2587C>A, p.His863Asn (NM_017628.4); short protein forms H863N.
Identifiers: ClinVar variation 4843484 (VCV004843484.1).